The following is an entry in ClinVar:

ClinVar aggregate classification (germline): Uncertain significance (1 of 4 stars; one submission).

Conditions:
Hereditary cancer-predisposing syndrome. Also called: Neoplastic Syndromes, Hereditary; Tumor predisposition; Hereditary neoplastic syndrome; Hereditary Cancer Syndrome. Identifiers: Orphanet 140162, MedGen C0027672, MeSH D009386, MONDO:0015356.

Submission:

Ambry Genetics
Classification: Uncertain significance for Hereditary cancer-predisposing syndrome. Last evaluated: 2024-03-12. Review status: criteria provided, single submitter. Criteria: Ambry Variant Classification Scheme 2023. Collection method: clinical testing. Allele origin: germline.
Comment: The p.A221G variant (also known as c.662C>G), located in coding exon 8 of the BRCA1 gene, results from a C to G substitution at nucleotide position 662. The alanine at codon 221 is replaced by glycine, an amino acid with similar properties. This amino acid position is not well conserved in available vertebrate species. In addition, the in silico prediction for this alteration is inconclusive. Based on the available evidence, the clinical significance of this alteration remains unclear.

NM_007294.4(BRCA1):c.662C>G (p.Ala221Gly)

Gene: BRCA1 (BRCA1 DNA repair associated; minus strand). Cytogenetic location: 17q21.31.
Variant type: single nucleotide variant.
Coding change: c.662C>G on transcript NM_007294.4 (MANE Select); coding-DNA position 662, C replaced by G.
Protein change: p.Ala221Gly; replaces alanine 221 with glycine.
Molecular consequence: missense variant. On other transcripts: intron variant (115).
Genome position (GRCh38, 1-based): chr17:43,095,854, G>C on the plus strand (C>G on the coding strand, the complement: BRCA1 is on the minus strand). VCF-style: chr17-43095854-G-C. GRCh37 (hg19) VCF-style: chr17-41247871-G-C.
Other names: c.662C>G, p.Ala221Gly (NM_001407979.1, NM_001407980.1, NM_001407981.1 and 59 more transcripts); c.659C>G, p.Ala220Gly (NM_001407984.1, NM_001407985.1, NM_001407986.1 and 41 more transcripts); c.653C>G, p.Ala218Gly (NM_001408408.1, NM_001407646.1, NM_001407647.1); c.584C>G, p.Ala195Gly (NM_001408409.1, NM_001408411.1, NM_001408412.1 and 9 more transcripts); c.521C>G, p.Ala174Gly (NM_001408410.1, NM_001408452.1, NM_001408453.1 and 43 more transcripts); c.581C>G, p.Ala194Gly (NM_001408413.1, NM_001408416.1, NM_001407659.1 and 3 more transcripts); c.527C>G, p.Ala176Gly (NM_001408451.1); c.518C>G, p.Ala173Gly (NM_001408462.1, NM_001408463.1, NM_001408464.1 and 26 more transcripts); and 17 more; short protein forms A150G, A151G, A173G, A174G, A176G, A194G, A195G, A218G.
Identifiers: ClinVar variation 3226176 (VCV003226176.1), dbSNP rs1597881888, ClinGen allele CA10600776.